The following is an entry in ClinVar:

ClinVar aggregate classification (germline): Uncertain significance (1 of 4 stars; one submission).

Conditions:
DiGeorge syndrome. Also called: THIRD AND FOURTH PHARYNGEAL POUCH SYNDROME; Catch22. Identifiers: Orphanet 567, MedGen C0012236, MONDO:0008564, OMIM 188400.

gnomAD v4.1: 2 of 1,561,878 alleles (0.00013%); highest among the groups gnomAD compares: Non-Finnish European, 0.00017%; no homozygotes.

Submission:

Labcorp Genetics (formerly Invitae), Labcorp
Classification: Uncertain significance for DiGeorge syndrome. Last evaluated: 2025-09-23. Review status: criteria provided, single submitter. Criteria: Invitae Variant Classification Sherloc (09022015). Collection method: clinical testing. Allele origin: germline.
Comment: This sequence change replaces valine, which is neutral and non-polar, with leucine, which is neutral and non-polar, at codon 132 of the TBX1 protein (p.Val132Leu). This variant is not present in population databases (gnomAD no frequency). This variant has not been reported in the literature in individuals affected with TBX1-related conditions. ClinVar contains an entry for this variant (Variation ID: 2718080). Invitae Evidence Modeling of protein sequence and biophysical properties (such as structural, functional, and spatial information, amino acid conservation, physicochemical variation, residue mobility, and thermodynamic stability) indicates that this missense variant is not expected to disrupt TBX1 protein function with a negative predictive value of 80%. In summary, the available evidence is currently insufficient to determine the role of this variant in disease. Therefore, it has been classified as a Variant of Uncertain Significance.

NM_001379200.1(TBX1):c.421G>C (p.Val141Leu)

Gene: TBX1 (T-box transcription factor 1; plus strand). Cytogenetic location: 22q11.21.
Variant type: single nucleotide variant.
Coding change: c.421G>C on transcript NM_001379200.1 (MANE Select); coding-DNA position 421, G replaced by C.
Protein change: p.Val141Leu; replaces valine 141 with leucine.
Molecular consequence: missense variant.
Genome position (GRCh38, 1-based): chr22:19,761,264, G>C. VCF-style: chr22-19761264-G-C. GRCh37 (hg19) VCF-style: chr22-19748787-G-C.
Other names: c.394G>C, p.Val132Leu (NM_005992.1, NM_080646.2, NM_080647.1); short protein forms V132L, V141L.
Identifiers: ClinVar variation 2718080 (VCV002718080.3), dbSNP rs766467654, ClinGen allele CA410681833.
Genomic context (GRCh38, chr22:19,761,264, plus strand): 5'-GTGCAGCTAGAGATGAAGGCGCTGTGGGACGAGTTCAACCAGCTGGGCACCGAGATGATC[G>C]TCACCAAGGCCGGCAGGTCAGGGCGCCCCTCCCCACGCCGCGACCCTCCCCACGTGCTGC-3'
Protein context (NP_001366129.1, residues 131-151): EFNQLGTEMI[Val141Leu]TKAGRRMFPT